The following is an entry in ClinVar:

NM_007373.4(SHOC2):c.1544C>T (p.Thr515Ile)

Gene: SHOC2 (SHOC2 leucine rich repeat scaffold protein; plus strand). Cytogenetic location: 10q25.2.
Variant type: single nucleotide variant.
Coding change: c.1544C>T on transcript NM_007373.4 (MANE Select); coding-DNA position 1544, C replaced by T.
Protein change: p.Thr515Ile; replaces threonine 515 with isoleucine.
Molecular consequence: missense variant. On other transcripts: non-coding transcript variant (1).
Genome position (GRCh38, 1-based): chr10:111,011,613, C>T. VCF-style: chr10-111011613-C-T. GRCh37 (hg19) VCF-style: chr10-112771371-C-T.
Other names: c.1406C>T, p.Thr469Ile (NM_001269039.3); c.1544C>T, p.Thr515Ile (NM_001324336.2, NM_001324337.2); short protein forms T469I, T515I.
Identifiers: ClinVar variation 1809782 (VCV001809782.5), dbSNP rs2493965893, ClinGen allele CA378525814.
Genomic context (GRCh38, chr10:111,011,613, plus strand): 5'-TGAACTTTTAAAATAGCAACTAATTTTTAAAAAAAAATTGATTTTTTTTTTAAACAGGTA[C>T]ACTGGAGAACCTAGAAGAACTGTATTTGAATGACAACCCCAACCTGCATAGCCTTCCCTT-3'
Protein context (NP_031399.2, residues 505-525): LLTHLPEEIG[Thr515Ile]LENLEELYLN

ClinVar aggregate classification (germline): Uncertain significance. Review status: criteria provided, single submitter (1 of 4 stars). 2 submissions from 2 submitters: Uncertain significance (1). 1 of the submissions does not count toward it.

Conditions:
Noonan syndrome-like disorder with loose anagen hair 1 (NSLH1). Also called: TOSTI SYNDROME; MAZZANTI SYNDROME. Identifiers: Orphanet 2701, MedGen C4478716, MONDO:0054637, OMIM 607721.
SHOC2-related disorder. Also called: SHOC2-related condition.

Submissions (2):

Laboratorio de Biologia Molecular - Genetica, Hospital de Pediatria Garrahan
Classification: Uncertain significance for Noonan syndrome-like disorder with loose anagen hair 1. Review status: criteria provided, single submitter. Criteria: ACMG Guidelines, 2015. Collection method: clinical testing. Allele origin: germline. Inheritance: Autosomal dominant inheritance. Affected: yes.
Comment: The segregation analysis could not be performed. The variant is not present in gnomad database. The REVEL score is 0.37. Considering all the information available we classified the variant as uncertain significance.

PreventionGenetics, part of Exact Sciences
Classification: Uncertain significance for SHOC2-related condition. Last evaluated: 2024-02-05. Review status: no assertion criteria provided. Collection method: clinical testing. Allele origin: germline. Not counted in ClinVar's aggregate classification.
Comment: The SHOC2 c.1544C>T variant is predicted to result in the amino acid substitution p.Thr515Ile. To our knowledge, this variant has not been reported in the literature or in a large population database, indicating this variant is rare. At this time, the clinical significance of this variant is uncertain due to the absence of conclusive functional and genetic evidence.